The following is an entry in ClinVar:

ClinVar aggregate classification (germline): Benign/Likely benign. Review status: criteria provided, multiple submitters, no conflicts (2 of 4 stars). 4 submissions from 4 submitters: Benign (3); Likely benign (1). Last evaluated 2026-01-08.

Allele frequency attached by ClinVar (database versions not stated): gnomAD exomes 0.00031 and 0.00085; ExAC 0.00103; gnomAD 0.00336 and 0.00353; ESP Exome Variant Server 0.00347; TOPMed 0.00356; 1000 Genomes Project 0.00559; 1000 Genomes Project 30x 0.00609.
gnomAD v4.1: 996 of 1,611,442 alleles (0.062%); highest among the groups gnomAD compares: African/African-American, 1.2%; 8 homozygotes.

Submissions (4):

Labcorp Genetics (formerly Invitae), Labcorp
Classification: Benign. Last evaluated: 2026-01-08. Review status: criteria provided, single submitter. Criteria: Invitae Variant Classification Sherloc (09022015). Collection method: clinical testing. Allele origin: germline.

Blueprint Genetics
Classification: Likely benign. Last evaluated: 2024-10-22. Review status: criteria provided, single submitter. Criteria: ACMG Guidelines, 2015. Collection method: clinical testing. Allele origin: germline.

Mayo Clinic Laboratories, Mayo Clinic
Classification: Benign. Last evaluated: 2023-10-04. Review status: criteria provided, single submitter. Criteria: ACMG Guidelines, 2015. Collection method: clinical testing. Allele origin: germline. Observed: 1 variant allele.
Comment: BS1, BS2, BP4

Breakthrough Genomics
Classification: Benign. Review status: criteria provided, single submitter. Criteria: ACMG Guidelines, 2015. Collection method: not provided. Allele origin: germline. Inheritance: Autosomal recessive inheritance. Affected: yes.

NM_001286577.2(C2CD3):c.4037A>C (p.Asp1346Ala)

Gene: C2CD3 (C2 domain containing 3 centriole elongation regulator; minus strand). Cytogenetic location: 11q13.4.
Variant type: single nucleotide variant.
Coding change: c.4037A>C on transcript NM_001286577.2 (MANE Select); coding-DNA position 4037, A replaced by C.
Protein change: p.Asp1346Ala; replaces aspartic acid 1346 with alanine.
Molecular consequence: missense variant.
Genome position (GRCh38, 1-based): chr11:74,078,681, T>G on the plus strand (A>C on the coding strand, the complement: C2CD3 is on the minus strand). VCF-style: chr11-74078681-T-G. GRCh37 (hg19) VCF-style: chr11-73789726-T-G.
Other names: p.Asp1346Ala; c.4037A>C (NM_001286577.1); c.4037A>C, p.Asp1346Ala (NM_015531.6); short protein forms D1346A.
Identifiers: ClinVar variation 720448 (VCV000720448.13), dbSNP rs78859901, ClinGen allele CA6182220.